The following is an entry in ClinVar:

NM_000218.3(KCNQ1):c.860C>T (p.Ala287Val)

Gene: KCNQ1 (potassium voltage-gated channel subfamily Q member 1; plus strand). Cytogenetic location: 11p15.5.
Variant type: single nucleotide variant.
Coding change: c.860C>T on transcript NM_000218.3 (MANE Select); coding-DNA position 860, C replaced by T.
Protein change: p.Ala287Val; replaces alanine 287 with valine.
Molecular consequence: missense variant.
Genome position (GRCh38, 1-based): chr11:2,572,925, C>T. VCF-style: chr11-2572925-C-T. GRCh37 (hg19) VCF-style: chr11-2594155-C-T.
Other names: c.860C>T, p.Ala287Val (NM_001406836.1); c.590C>T, p.Ala197Val (NM_001406837.1); c.479C>T, p.Ala160Val (NM_181798.2); short protein forms A160V, A287V, A197V.
Identifiers: ClinVar variation 923836 (VCV000923836.14), dbSNP rs199472735, ClinGen allele CA379131554.
Genomic context (GRCh38, chr11:2,572,925, plus strand): 5'-ACATCGGCTTCCTGGGCCTCATCTTCTCCTCGTACTTTGTGTACCTGGCTGAGAAGGACG[C>T]GGTGAACGAGTCAGGCCGCGTGGAGTTCGGCAGCTACGCAGATGCGCTGTGGTGGGGGGT-3'
Protein context (NP_000209.2, residues 277-297): SYFVYLAEKD[Ala287Val]VNESGRVEFG

ClinVar aggregate classification (germline): Uncertain significance. Review status: criteria provided, multiple submitters, no conflicts (2 of 4 stars). 4 submissions from 4 submitters: Uncertain significance (4). Last evaluated 2025-01-03.

Conditions:
Cardiac arrhythmia. Also called: Cardiac rhythm disease; Arrhythmia. Identifiers: MedGen C0003811, MONDO:0007263, HP:0011675.
Cardiovascular phenotype. Identifiers: MedGen CN230736.
Long QT syndrome (LQTS). Identifiers: MedGen C0023976, MeSH D008133, MONDO:0002442. Disease mechanism: loss of function. Inheritance: Various modes of inheritance.
Atrial fibrillation, familial, 3 (ATFB3). Identifiers: MedGen C1837014, MONDO:0011857, OMIM 607554.
Beckwith-Wiedemann syndrome (BWS). Also called: EMG SYNDROME; Exomphalos macroglossia gigantism syndrome. Identifiers: Orphanet 116, MedGen C0004903, MONDO:0007534, OMIM 130650.
Jervell and Lange-Nielsen syndrome 1 (JLNS1). Also called: CARDIOAUDITORY SYNDROME OF JERVELL AND LANGE-NIELSEN; DEAFNESS, CONGENITAL, AND FUNCTIONAL HEART DISEASE; PROLONGED QT INTERVAL IN EKG AND SUDDEN DEATH; SURDO-CARDIAC SYNDROME. Identifiers: Orphanet 768, Orphanet 90647, MedGen C4551509, MONDO:0024540, OMIM 220400.
Short QT syndrome type 2. Identifiers: Orphanet 51083, MedGen C1865019, MONDO:0012313, OMIM 609621.
Long QT syndrome 1 (LQT1). Identifiers: Orphanet 101016, Orphanet 768, MedGen C4551647, MONDO:0100316, OMIM 192500, MONDO:0008646.

gnomAD v4.1: 7 of 1,613,688 alleles (0.00043%); highest among the groups gnomAD compares: African/African-American, 0.0013%; no homozygotes.

Submissions (4):

Ambry Genetics
Classification: Uncertain significance for Cardiovascular phenotype. Last evaluated: 2025-01-03. Review status: criteria provided, single submitter. Criteria: Ambry Variant Classification Scheme 2023. Collection method: clinical testing. Allele origin: germline.
Comment: The p.A287V variant (also known as c.860C>T), located in coding exon 6 of the KCNQ1 gene, results from a C to T substitution at nucleotide position 860. The alanine at codon 287 is replaced by valine, an amino acid with similar properties, and is located in the transmembrane-spanning S5/pore region. This amino acid position is well conserved in available vertebrate species. In addition, this alteration is predicted to be deleterious by in silico analysis. Since supporting evidence is limited at this time, the clinical significance of this alteration remains unclear.

Labcorp Genetics (formerly Invitae), Labcorp
Classification: Uncertain significance for Long QT syndrome. Last evaluated: 2024-10-17. Review status: criteria provided, single submitter. Criteria: Invitae Variant Classification Sherloc (09022015). Collection method: clinical testing. Allele origin: germline.
Comment: This sequence change replaces alanine, which is neutral and non-polar, with valine, which is neutral and non-polar, at codon 287 of the KCNQ1 protein (p.Ala287Val). This variant is not present in population databases (gnomAD no frequency). This variant has not been reported in the literature in individuals affected with KCNQ1-related conditions. ClinVar contains an entry for this variant (Variation ID: 923836). Invitae Evidence Modeling of protein sequence and biophysical properties (such as structural, functional, and spatial information, amino acid conservation, physicochemical variation, residue mobility, and thermodynamic stability) has been performed for this missense variant. However, the output from this modeling did not meet the statistical confidence thresholds required to predict the impact of this variant on KCNQ1 protein function. Experimental studies have shown that this missense change affects KCNQ1 function (PMID: 34930020). In summary, the available evidence is currently insufficient to determine the role of this variant in disease. Therefore, it has been classified as a Variant of Uncertain Significance.

Fulgent Genetics
Classification: Uncertain significance for Beckwith-Wiedemann syndrome; Long QT syndrome 1; Jervell and Lange-Nielsen syndrome 1; Atrial fibrillation, familial, 3; Short QT syndrome type 2. Last evaluated: 2021-08-11. Review status: criteria provided, single submitter. Criteria: ACMG Guidelines, 2015. Collection method: clinical testing. Allele origin: unknown.

Color Diagnostics, LLC DBA Color Health
Classification: Uncertain significance for Arrhythmia. Last evaluated: 2018-11-16. Review status: criteria provided, single submitter. Criteria: ACMG Guidelines, 2015. Collection method: clinical testing. Allele origin: germline.

Literature cited by the submitters: PubMed 34930020 (cited by Labcorp Genetics (formerly Invitae), Labcorp).